The following is an entry in ClinVar:

NM_020163.3(SEMA3G):c.928+1G>A

Gene: SEMA3G (semaphorin 3G; minus strand). Cytogenetic location: 3p21.1.
Variant type: single nucleotide variant.
Coding change: c.928+1G>A on transcript NM_020163.3 (MANE Select); the canonical splice donor site of the intron after coding-DNA position 928, G replaced by A.
Molecular consequence: splice donor variant.
Genome position (GRCh38, 1-based): chr3:52,440,933, C>T on the plus strand (G>A on the coding strand, the complement: SEMA3G is on the minus strand). VCF-style: chr3-52440933-C-T. GRCh37 (hg19) VCF-style: chr3-52474949-C-T.
Identifiers: ClinVar variation 4986984 (VCV004986984.1).
Genomic context (GRCh38, chr3:52,440,933, plus strand): 5'-ACTCACCAGCTCTCAGCCCTCCCCACTCCCGAGCCCTAGGCCTGCTTGGCCAGGCCCTCA[C>T]CTAGCTGGTCAAAGTGGGTCTCGGCACCACCAGGGCCGGGCACCGAGCAGACCAGCCTGG-3'

ClinVar aggregate classification (germline): Uncertain significance (1 of 4 stars; one submission).

Conditions:
SEMA3G-related disorder. Also called: SEMA3G-related condition.

gnomAD v4.1: 30 of 1,603,640 alleles (0.0019%); highest among the groups gnomAD compares: South Asian, 0.028%; 1 homozygote.

Submission:

PreventionGenetics, part of Exact Sciences
Classification: Uncertain significance for SEMA3G-related condition. Last evaluated: 2026-06-01. Review status: criteria provided, single submitter. Criteria: ACMG Guidelines, 2015. Collection method: clinical testing. Allele origin: germline.
Comment: The SEMA3G c.928+1G>A variant is predicted to disrupt the GT donor site and interfere with normal splicing. To our knowledge, this variant has not been reported in the literature. This variant is reported in 0.031% of alleles in individuals of South Asian descent in gnomAD. At this time, the clinical significance of this variant is uncertain due to the absence of conclusive functional and genetic evidence.